The following is an entry in ClinVar:

ClinVar aggregate classification (germline): Uncertain significance (1 of 4 stars; one submission).

Conditions:
Hereditary cancer-predisposing syndrome. Also called: Tumor predisposition; Neoplastic Syndromes, Hereditary; Hereditary neoplastic syndrome; Hereditary Cancer Syndrome. Identifiers: Orphanet 140162, MedGen C0027672, MeSH D009386, MONDO:0015356.

Submission:

Ambry Genetics
Classification: Uncertain significance for Hereditary cancer-predisposing syndrome. Last evaluated: 2025-08-27. Review status: criteria provided, single submitter. Criteria: Ambry Variant Classification Scheme 2023. Collection method: clinical testing. Allele origin: germline.
Comment: The p.Q422L variant (also known as c.1265A>T), located in coding exon 13 of the MUTYH gene, results from an A to T substitution at nucleotide position 1265. The glutamine at codon 422 is replaced by leucine, an amino acid with dissimilar properties. This amino acid position is conserved. In addition, the in silico prediction for this alteration is inconclusive. Based on the available evidence, the clinical significance of this variant remains unclear.

NM_001048174.2(MUTYH):c.1181A>T (p.Gln394Leu)

Gene: MUTYH (mutY DNA glycosylase; minus strand). Cytogenetic location: 1p34.1.
Variant type: single nucleotide variant.
Coding change: c.1181A>T on transcript NM_001048174.2 (MANE Select); coding-DNA position 1181, A replaced by T.
Protein change: p.Gln394Leu; replaces glutamine 394 with leucine.
Molecular consequence: missense variant. On other transcripts: non-coding transcript variant (7).
Genome position (GRCh38, 1-based): chr1:45,331,478, T>A on the plus strand (A>T on the coding strand, the complement: MUTYH is on the minus strand). VCF-style: chr1-45331478-T-A. GRCh37 (hg19) VCF-style: chr1-45797150-T-A.
Other names: c.1184A>T, p.Gln395Leu (NM_001407086.1, NM_001048172.2, NM_001407078.1 and 1 more transcripts); c.1202A>T, p.Gln401Leu (NM_001407087.1); c.1181A>T, p.Gln394Leu (NM_001407088.1, NM_001407089.1, NM_001048171.2 and 6 more transcripts); c.905A>T, p.Gln302Leu (NM_001407091.1, NM_001293192.2, NM_001293196.2); c.1256A>T, p.Gln419Leu (NM_012222.3); c.1265A>T, p.Gln422Leu (NM_001128425.2); c.1226A>T, p.Gln409Leu (NM_001293190.2); c.1214A>T, p.Gln405Leu (NM_001293191.2, NM_001407069.1, NM_001407077.1); and 5 more; short protein forms Q279L, Q302L, Q401L, Q405L, Q408L, Q409L, Q419L, Q381L.
Identifiers: ClinVar variation 4113141 (VCV004113141.1).